The following is an entry in ClinVar:

NM_001040716.2(PC):c.374C>T (p.Ala125Val)

Gene: PC (pyruvate carboxylase; minus strand). Cytogenetic location: 11q13.2.
Variant type: single nucleotide variant.
Coding change: c.374C>T on transcript NM_001040716.2 (MANE Select); coding-DNA position 374, C replaced by T.
Protein change: p.Ala125Val; replaces alanine 125 with valine.
Molecular consequence: missense variant.
Genome position (GRCh38, 1-based): chr11:66,871,428, G>A on the plus strand (C>T on the coding strand, the complement: PC is on the minus strand). VCF-style: chr11-66871428-G-A. GRCh37 (hg19) VCF-style: chr11-66638899-G-A.
Other names: c.374C>T, p.Ala125Val (NM_000920.4, NM_022172.3); short protein forms A125V.
Identifiers: ClinVar variation 967304 (VCV000967304.4), dbSNP rs199678394, ClinGen allele CA6132235.

ClinVar aggregate classification (germline): Uncertain significance. Review status: criteria provided, multiple submitters, no conflicts (2 of 4 stars). 2 submissions from 2 submitters: Uncertain significance (2). Last evaluated 2024-01-04.

Conditions:
Pyruvate carboxylase deficiency. Also called: Pyruvate Carboxylase Deficiency Disease; ATAXIA WITH LACTIC ACIDOSIS II; LEIGH NECROTIZING ENCEPHALOPATHY DUE TO PYRUVATE CARBOXYLASE DEFICIENCY; LEIGH SYNDROME DUE TO PYRUVATE CARBOXYLASE DEFICIENCY; PC DEFICIENCY. Identifiers: Orphanet 3008, MedGen C0034341, MONDO:0009949, OMIM 266150.

Allele frequency attached by ClinVar (database versions not stated): gnomAD exomes 0.00001; TOPMed 0.00001; ExAC 0.00002; gnomAD 0.00002; 1000 Genomes Project 30x 0.00031; 1000 Genomes Project 0.00040.
gnomAD v4.1: 26 of 1,613,552 alleles (0.0016%); highest among the groups gnomAD compares: East Asian, 0.0022%; no homozygotes.

Submissions (2):

GeneDx
Classification: Uncertain significance. Last evaluated: 2024-01-04. Review status: criteria provided, single submitter. Criteria: GeneDx Variant Classification Process June 2021. Collection method: clinical testing. Allele origin: germline. Affected: yes.
Comment: Not observed at significant frequency in large population cohorts (gnomAD); In silico analysis supports that this missense variant does not alter protein structure/function; Has not been previously published as pathogenic or benign to our knowledge

Labcorp Genetics (formerly Invitae), Labcorp
Classification: Uncertain significance for Pyruvate carboxylase deficiency. Last evaluated: 2021-09-02. Review status: criteria provided, single submitter. Criteria: Invitae Variant Classification Sherloc (09022015). Collection method: clinical testing. Allele origin: germline.
Comment: This sequence change replaces alanine with valine at codon 125 of the PC protein (p.Ala125Val). The alanine residue is moderately conserved and there is a small physicochemical difference between alanine and valine. This variant is present in population databases (rs199678394, ExAC 0.01%). This variant has not been reported in the literature in individuals affected with PC-related conditions. Algorithms developed to predict the effect of missense changes on protein structure and function are either unavailable or do not agree on the potential impact of this missense change (SIFT: "Deleterious"; PolyPhen-2: "Benign"; Align-GVGD: "Class C0"). In summary, the available evidence is currently insufficient to determine the role of this variant in disease. Therefore, it has been classified as a Variant of Uncertain Significance.